The following is an entry in ClinVar:

ClinVar aggregate classification (germline): Conflicting classifications of pathogenicity. Review status: criteria provided, conflicting classifications (1 of 4 stars). 4 submissions from 4 submitters: Uncertain significance (3); Likely benign (1). Last evaluated 2026-01-01.

Conditions:
Inborn genetic diseases. Identifiers: MedGen C0950123, MeSH D030342.

Allele frequency attached by ClinVar (database versions not stated): gnomAD exomes 0.00002 and 0.00005; gnomAD 0.00003 and 0.00004; TOPMed 0.00003; ExAC 0.00007; ESP Exome Variant Server 0.00015.
gnomAD v4.1: 42 of 1,614,134 alleles (0.0026%); highest among the groups gnomAD compares: Middle Eastern, 0.066%; 1 homozygote.

Submissions (4):

CeGaT Center for Human Genetics Tuebingen
Classification: Uncertain significance. Last evaluated: 2026-01-01. Review status: criteria provided, single submitter. Criteria: CeGaT Center For Human Genetics Tuebingen Variant Classification Criteria Version 2. Collection method: clinical testing. Allele origin: germline. Affected: yes. Observed: 1 variant allele.
Comment: MARVELD2: PM2:Supporting, PM3:Supporting, BP4

Blueprint Genetics
Classification: Uncertain significance. Last evaluated: 2024-11-07. Review status: criteria provided, single submitter. Criteria: ACMG Guidelines, 2015. Collection method: clinical testing. Allele origin: germline.

Ambry Genetics
Classification: Likely benign for Inborn genetic diseases. Last evaluated: 2022-07-06. Review status: criteria provided, single submitter. Criteria: Ambry Variant Classification Scheme 2023. Collection method: clinical testing. Allele origin: germline.

Eurofins Ntd Llc (ga)
Classification: Uncertain significance. Last evaluated: 2017-03-09. Review status: criteria provided, single submitter. Criteria: EGL Classification Definitions 2015. Collection method: clinical testing. Allele origin: germline. Observed: 1 variant allele, 1 heterozygote.

NM_001038603.3(MARVELD2):c.440G>A (p.Arg147Gln)

Gene: MARVELD2 (MARVEL domain containing 2; plus strand). Cytogenetic location: 5q13.2.
Variant type: single nucleotide variant.
Coding change: c.440G>A on transcript NM_001038603.3 (MANE Select); coding-DNA position 440, G replaced by A.
Protein change: p.Arg147Gln; replaces arginine 147 with glutamine.
Molecular consequence: missense variant.
Genome position (GRCh38, 1-based): chr5:69,419,825, G>A. VCF-style: chr5-69419825-G-A. GRCh37 (hg19) VCF-style: chr5-68715652-G-A.
Other names: c.440G>A (NM_001038603.2); c.440G>A, p.Arg147Gln (NM_001244734.2); short protein forms R147Q.
Identifiers: ClinVar variation 499919 (VCV000499919.12), dbSNP rs143318841, ClinGen allele CA3294047.
Genomic context (GRCh38, chr5:69,419,825, plus strand): 5'-GTTCGCCCCTCAACTCCTGCAAAGATCCCTACGGAGGGTCAGAAGGAACCTTTAGTTCCC[G>A]GAAAGAGGCTGACGCAGTGTTTCCCCGGGATCCCTATGGATCTCTAGACCGACACACACA-3'
Protein context (NP_001033692.2, residues 137-157): YGGSEGTFSS[Arg147Gln]KEADAVFPRD